The following is an entry in ClinVar:

ClinVar aggregate classification (germline): Benign. Review status: criteria provided, single submitter (1 of 4 stars). 2 submissions from 2 submitters: Benign (1). 1 of the submissions does not count toward it. Last evaluated 2025-09-27.

Conditions:
Bloom syndrome (BLM). Also called: Bloom-Torre-Machacek syndrome. Identifiers: Orphanet 125, MedGen C0005859, MONDO:0008876, OMIM 210900.
BLM-related disorder. Also called: BLM-related condition.

Submissions (2):

Labcorp Genetics (formerly Invitae), Labcorp
Classification: Benign for Bloom syndrome. Last evaluated: 2025-09-27. Review status: criteria provided, single submitter. Criteria: Invitae Variant Classification Sherloc (09022015). Collection method: clinical testing. Allele origin: germline.

PreventionGenetics, part of Exact Sciences
Classification: Likely benign for BLM-related condition. Last evaluated: 2019-06-05. Review status: no assertion criteria provided. Collection method: clinical testing. Allele origin: germline. Not counted in ClinVar's aggregate classification.
Comment: This variant is classified as likely benign based on ACMG/AMP sequence variant interpretation guidelines (Richards et al. 2015 PMID: 25741868, with internal and published modifications).

NM_000057.4(BLM):c.960-9del

Gene: BLM (BLM RecQ like helicase; plus strand). Cytogenetic location: 15q26.1.
Variant type: Deletion.
Coding change: c.960-9del on transcript NM_000057.4 (MANE Select); 9 bases into the intron before coding-DNA position 960, one base deleted (T; older notation c.960-9delT).
Molecular consequence: intron variant.
Genome position (GRCh38, 1-based): chr15:90,754,802, T deleted; the last of 8 consecutive T bases (chr15:90,754,795-90,754,802); deleting any one gives the same sequence. VCF-style (leftmost placement, unchanged base first): chr15-90754794-AT-A. GRCh37 (hg19) VCF-style: chr15-91298024-AT-A.
Other names: c.960-9delT (NM_000057.3); c.960-9del (NM_001287246.2, NM_001287247.2); c.-332-9del (NM_001287248.2).
Identifiers: ClinVar variation 2975209 (VCV002975209.5), dbSNP rs758366991, ClinGen allele CA7738400.